The following is an entry in ClinVar:

NM_004656.4(BAP1):c.2024T>G (p.Ile675Ser)

Gene: BAP1 (BRCA1 associated deubiquitinase 1; minus strand). Cytogenetic location: 3p21.1.
Variant type: single nucleotide variant.
Coding change: c.2024T>G on transcript NM_004656.4 (MANE Select); coding-DNA position 2024, T replaced by G.
Protein change: p.Ile675Ser; replaces isoleucine 675 with serine.
Molecular consequence: missense variant.
Genome position (GRCh38, 1-based): chr3:52,402,634, A>C on the plus strand (T>G on the coding strand, the complement: BAP1 is on the minus strand). VCF-style: chr3-52402634-A-C. GRCh37 (hg19) VCF-style: chr3-52436650-A-C.
Other names: c.1970T>G, p.Ile657Ser (NM_001410772.1); short protein forms I675S, I657S.
Identifiers: ClinVar variation 2745324 (VCV002745324.3), dbSNP rs2153226197, ClinGen allele CA353096234.

ClinVar aggregate classification (germline): Uncertain significance (1 of 4 stars; one submission).

Conditions:
BAP1-related tumor predisposition syndrome (TPDS1). Also called: Tumor susceptibility linked to germline BAP1 mutations; COMMON Syndrome; TUMOR PREDISPOSITION SYNDROME 1; BAP1 tumor predisposition syndrome. Identifiers: Orphanet 289539, MedGen C3280492, MONDO:0013692, OMIM 614327.

Submission:

Labcorp Genetics (formerly Invitae), Labcorp
Classification: Uncertain significance for BAP1-related tumor predisposition syndrome. Last evaluated: 2023-07-19. Review status: criteria provided, single submitter. Criteria: Invitae Variant Classification Sherloc (09022015). Collection method: clinical testing. Allele origin: germline.
Comment: This sequence change replaces isoleucine, which is neutral and non-polar, with serine, which is neutral and polar, at codon 675 of the BAP1 protein (p.Ile675Ser). This variant is not present in population databases (gnomAD no frequency). This variant has not been reported in the literature in individuals affected with BAP1-related conditions. In summary, the available evidence is currently insufficient to determine the role of this variant in disease. Therefore, it has been classified as a Variant of Uncertain Significance. Advanced modeling of protein sequence and biophysical properties (such as structural, functional, and spatial information, amino acid conservation, physicochemical variation, residue mobility, and thermodynamic stability) performed at Invitae indicates that this missense variant is expected to disrupt BAP1 protein function.